The following is an entry in ClinVar:

NM_152703.5(SAMD9L):c.3667T>G (p.Leu1223Val)

Gene: SAMD9L (sterile alpha motif domain containing 9 like; minus strand). Cytogenetic location: 7q21.2.
Variant type: single nucleotide variant.
Coding change: c.3667T>G on transcript NM_152703.5 (MANE Select); coding-DNA position 3667, T replaced by G.
Protein change: p.Leu1223Val; replaces leucine 1223 with valine.
Molecular consequence: missense variant.
Genome position (GRCh38, 1-based): chr7:93,132,305, A>C on the plus strand (T>G on the coding strand, the complement: SAMD9L is on the minus strand). VCF-style: chr7-93132305-A-C. GRCh37 (hg19) VCF-style: chr7-92761618-A-C.
Other names: c.3667T>G, p.Leu1223Val (NM_001303496.3, NM_001303497.3, NM_001303498.3 and 5 more transcripts); short protein forms L1223V.
Identifiers: ClinVar variation 2773032 (VCV002773032.3), dbSNP rs2535410460, ClinGen allele CA368180673.
Genomic context (GRCh38, chr7:93,132,305, plus strand): 5'-TGGGATCAGGAGGAATGGTCCACTTTCCTGATAAAAATTGCACCATATGTTTTTTGGATA[A>C]TTCATTTTCTTTGTGGAAAAAGGGAGTGAGCTGAAGAATCTGGATAGTGTAAAGACCAAC-3'
Protein context (NP_689916.2, residues 1213-1233): LTPFFHKENE[Leu1223Val]SKKHMVQFLS

ClinVar aggregate classification (germline): Uncertain significance (1 of 4 stars; one submission).

Submission:

Labcorp Genetics (formerly Invitae), Labcorp
Classification: Uncertain significance. Last evaluated: 2023-10-30. Review status: criteria provided, single submitter. Criteria: Invitae Variant Classification Sherloc (09022015). Collection method: clinical testing. Allele origin: germline.
Comment: This sequence change replaces leucine, which is neutral and non-polar, with valine, which is neutral and non-polar, at codon 1223 of the SAMD9L protein (p.Leu1223Val). This variant is not present in population databases (gnomAD no frequency). This variant has not been reported in the literature in individuals affected with SAMD9L-related conditions. Advanced modeling of protein sequence and biophysical properties (such as structural, functional, and spatial information, amino acid conservation, physicochemical variation, residue mobility, and thermodynamic stability) performed at Invitae indicates that this missense variant is not expected to disrupt SAMD9L protein function with a negative predictive value of 80%. In summary, the available evidence is currently insufficient to determine the role of this variant in disease. Therefore, it has been classified as a Variant of Uncertain Significance.